The following is an entry in ClinVar:

NM_006259.3(PRKG2):c.2127-61CCTT[10]

Gene: PRKG2 (protein kinase cGMP-dependent 2; minus strand). Cytogenetic location: 4q21.21.
Variant type: Microsatellite.
Coding change: c.2127-61CCTT[10] on transcript NM_006259.3 (MANE Select); ten copies in a row of the 4-base unit CCTT starting at c.2127-61; the reference has 12 copies in a row; two copies, 8 bases deleted.
Molecular consequence: intron variant.
Genome position (GRCh38, 1-based): chr4:81,092,466-81,092,473, AAGGAAGG deleted on the plus strand (CCTTCCTT on the coding strand, the reverse complement: PRKG2 is on the minus strand); deleting any 8 consecutive bases within chr4:81,092,466-81,092,513 gives the same sequence; the position shown is the placement nearest the transcript's 3' end. VCF-style (leftmost placement, unchanged base first): chr4-81092465-AAAGGAAGG-A. GRCh37 (hg19) VCF-style: chr4-82013619-AAAGGAAGG-A.
Other names: c.780-61CCTT[10] (NM_001282482.1); c.687-61CCTT[10] (NM_001282483.1); c.867-61CCTT[10] (NM_001282481.1, NM_001282480.1); c.2040-61CCTT[10] (NM_001282485.2); c.2127-61CCTT[10] (NM_001363401.2); c.2127-21_2127-14delCCTTCCTT (NM_006259.3).
Identifiers: ClinVar variation 4887518 (VCV004887518.1).

ClinVar aggregate classification (germline): Benign (1 of 4 stars; one submission).

Submission:

Women's Health and Genetics/Laboratory Corporation of America, LabCorp
Classification: Benign. Last evaluated: 2026-06-04. Review status: criteria provided, single submitter. Criteria: LabCorp Variant Classification Summary - May 2015. Collection method: clinical testing. Allele origin: germline.
Comment: Variant summary: PRKG2 c.2127-21_2127-14delCCTTCCTT alters a nucleotide located at a position not widely known to affect splicing. Consensus agreement among computation tools predict no significant impact on normal splicing. However, these predictions have yet to be confirmed by functional studies. The variant allele was found at a frequency of 0.09 in 23520 control chromosomes in the gnomAD database, including 117 homozygotes. The observed variant frequency exceeds the estimated maximal expected allele frequency for disease-causing variants in PRKG2. To our knowledge, no occurrence of c.2127-21_2127-14delCCTTCCTT in individuals affected with PRKG2-related conditions and no experimental evidence demonstrating its impact on protein function have been reported. No submitters have cited clinical-significance assessments for this variant to ClinVar. Based on the evidence outlined above, the variant was classified as benign.